The following is an entry in ClinVar:

ClinVar aggregate classification (germline): Uncertain significance (1 of 4 stars; one submission).

Conditions:
Epileptic encephalopathy. Identifiers: MedGen C0543888, HP:0200134.

Allele frequency attached by ClinVar (database versions not stated): gnomAD exomes below 0.00001; gnomAD 0.00001.
gnomAD v4.1: 6 of 1,197,756 alleles (0.0005%); highest among the groups gnomAD compares: East Asian, 0.01%; no homozygotes.

Submission:

Labcorp Genetics (formerly Invitae), Labcorp
Classification: Uncertain significance for Epileptic encephalopathy. Last evaluated: 2023-10-03. Review status: criteria provided, single submitter. Criteria: Invitae Variant Classification Sherloc (09022015). Collection method: clinical testing. Allele origin: germline.
Comment: This sequence change replaces leucine, which is neutral and non-polar, with proline, which is neutral and non-polar, at codon 27 of the GABBR2 protein (p.Leu27Pro). This variant is not present in population databases (gnomAD no frequency). This variant has not been reported in the literature in individuals affected with GABBR2-related conditions. ClinVar contains an entry for this variant (Variation ID: 1017248). Experimental studies and prediction algorithms are not available or were not evaluated, and the functional significance of this variant is currently unknown. In summary, the available evidence is currently insufficient to determine the role of this variant in disease. Therefore, it has been classified as a Variant of Uncertain Significance.

NM_005458.8(GABBR2):c.80T>C (p.Leu27Pro)

Gene: GABBR2 (gamma-aminobutyric acid type B receptor subunit 2; minus strand). Cytogenetic location: 9q22.33.
Variant type: single nucleotide variant.
Coding change: c.80T>C on transcript NM_005458.8 (MANE Select); coding-DNA position 80, T replaced by C.
Protein change: p.Leu27Pro; replaces leucine 27 with proline.
Molecular consequence: missense variant.
Genome position (GRCh38, 1-based): chr9:98,708,658, A>G on the plus strand (T>C on the coding strand, the complement: GABBR2 is on the minus strand). VCF-style: chr9-98708658-A-G. GRCh37 (hg19) VCF-style: chr9-101470940-A-G.
Other names: short protein forms L27P.
Identifiers: ClinVar variation 1017248 (VCV001017248.8), dbSNP rs1588292075, ClinGen allele CA374212881.